The following is an entry in ClinVar:

ClinVar aggregate classification (germline): Uncertain significance (1 of 4 stars; one submission).

Conditions:
TLK2-related disorder. Also called: TLK2-related condition.

Submission:

PreventionGenetics, part of Exact Sciences
Classification: Uncertain significance for TLK2-related condition. Last evaluated: 2023-08-22. Review status: criteria provided, single submitter. Criteria: ACMG Guidelines, 2015. Collection method: clinical testing. Allele origin: germline.
Comment: The TLK2 c.2030G>C variant is predicted to result in the amino acid substitution p.Gly677Ala. To our knowledge, this variant has not been reported in the literature or in a large population database, indicating this variant is rare. At this time, the clinical significance of this variant is uncertain due to the absence of conclusive functional and genetic evidence.

NM_006852.6(TLK2):c.1964G>C (p.Gly655Ala)

Gene: TLK2 (tousled like kinase 2; plus strand). Cytogenetic location: 17q23.2.
Variant type: single nucleotide variant.
Coding change: c.1964G>C on transcript NM_006852.6 (MANE Select); coding-DNA position 1964, G replaced by C.
Protein change: p.Gly655Ala; replaces glycine 655 with alanine.
Molecular consequence: missense variant.
Genome position (GRCh38, 1-based): chr17:62,606,234, G>C. VCF-style: chr17-62606234-G-C. GRCh37 (hg19) VCF-style: chr17-60683595-G-C.
Other names: c.2030G>C, p.Gly677Ala (NM_001284333.3); c.1868G>C, p.Gly623Ala (NM_001284363.1, NM_001375272.1); c.1517G>C, p.Gly506Ala (NM_001330418.3, NM_001375273.1); c.2006G>C, p.Gly669Ala (NM_001375269.1); c.1964G>C, p.Gly655Ala (NM_001375270.1, NM_001375271.1); c.1679G>C, p.Gly560Ala (NM_001411074.1); short protein forms G506A, G560A, G623A, G655A, G669A, G677A.
Identifiers: ClinVar variation 2633135 (VCV002633135.1), dbSNP rs2546056843, ClinGen allele CA400514739.